The following is an entry in ClinVar:

ClinVar aggregate classification (germline): Uncertain significance (1 of 4 stars; one submission).

Allele frequency attached by ClinVar (database versions not stated): gnomAD exomes below 0.00001.
gnomAD v4.1: 2 of 1,613,024 alleles (0.00012%); highest among the groups gnomAD compares: Non-Finnish European, 0.00017%; no homozygotes.

Submission:

Ambry Genetics
Classification: Uncertain significance. Last evaluated: 2024-07-09. Review status: criteria provided, single submitter. Criteria: Ambry Variant Classification Scheme 2023. Collection method: clinical testing. Allele origin: germline.
Comment: The p.G517V variant (also known as c.1550G>T), located in coding exon 8 of the PALLD gene, results from a G to T substitution at nucleotide position 1550. The glycine at codon 517 is replaced by valine, an amino acid with dissimilar properties. This amino acid position is conserved. In addition, this alteration is predicted to be deleterious by in silico analysis. Since supporting evidence is limited at this time, the clinical significance of this alteration remains unclear.

NM_001166108.2(PALLD):c.1550G>T (p.Gly517Val)

Gene: PALLD (palladin, cytoskeletal associated protein; plus strand). Cytogenetic location: 4q32.3.
Variant type: single nucleotide variant.
Coding change: c.1550G>T on transcript NM_001166108.2 (MANE Select); coding-DNA position 1550, G replaced by T.
Protein change: p.Gly517Val; replaces glycine 517 with valine.
Molecular consequence: missense variant.
Genome position (GRCh38, 1-based): chr4:168,709,076, G>T. VCF-style: chr4-168709076-G-T. GRCh37 (hg19) VCF-style: chr4-169630227-G-T.
Other names: c.404G>T, p.Gly135Val (NM_001166109.2); c.1550G>T, p.Gly517Val (NM_016081.4); short protein forms G135V, G517V.
Identifiers: ClinVar variation 1775054 (VCV001775054.3), dbSNP rs2531818699, ClinGen allele CA358797461.